The following is an entry in ClinVar:

ClinVar aggregate classification (germline): Pathogenic (1 of 4 stars; one submission).

Conditions:
DICER1-related tumor predisposition. Also called: DICER1 syndrome; DICER1-related pleuropulmonary blastoma cancer predisposition syndrome. Identifiers: Orphanet 284343, MedGen C3839822, MONDO:0100216.

Submission:

Labcorp Genetics (formerly Invitae), Labcorp
Classification: Pathogenic for DICER1-related tumor predisposition. Last evaluated: 2020-08-21. Review status: criteria provided, single submitter. Criteria: Invitae Variant Classification Sherloc (09022015). Collection method: clinical testing. Allele origin: germline.
Comment: Disruption of this splice site has been observed in individual(s) with DICER1 syndrome (PMID: 25022261, 21882293). ClinVar contains an entry for this variant (Variation ID: 666000). This variant is not present in population databases (ExAC no frequency). This sequence change affects a donor splice site in intron 21 of the DICER1 gene. It is expected to disrupt RNA splicing and likely results in an absent or disrupted protein product. Algorithms developed to predict the effect of sequence changes on RNA splicing suggest that this variant may disrupt the consensus splice site, but this prediction has not been confirmed by published transcriptional studies. For these reasons, this variant has been classified as Pathogenic. Donor and acceptor splice site variants typically lead to a loss of protein function (PMID: 16199547), and loss-of-function variants in DICER1 are known to be pathogenic (PMID: 19556464, 21266384).

Literature cited by the submitters: PubMed 25022261; PubMed 21882293; PubMed 16199547; PubMed 19556464; PubMed 21266384.

NM_177438.3(DICER1):c.4050+2T>C

Gene: DICER1 (dicer 1, ribonuclease III; minus strand). Cytogenetic location: 14q32.13.
Variant type: single nucleotide variant.
Coding change: c.4050+2T>C on transcript NM_177438.3 (MANE Select); the canonical splice donor site of the intron after coding-DNA position 4050, T replaced by C.
Molecular consequence: splice donor variant.
Genome position (GRCh38, 1-based): chr14:95,103,344, A>G on the plus strand (T>C on the coding strand, the complement: DICER1 is on the minus strand). VCF-style: chr14-95103344-A-G. GRCh37 (hg19) VCF-style: chr14-95569681-A-G.
Other names: c.4050+2T>C (NM_001291628.2, NM_030621.4, NM_001395677.1 and 12 more transcripts); c.3645+2T>C (NM_001395690.1, NM_001395687.1, NM_001395689.1 and 2 more transcripts); c.3768+2T>C (NM_001395686.1); c.3483+2T>C (NM_001395691.1); c.2367+2T>C (NM_001395697.1).
Identifiers: ClinVar variation 666000 (VCV000666000.12), dbSNP rs1595363556, ClinGen allele CA390872864.